The following is an entry in ClinVar:

ClinVar aggregate classification (germline): Uncertain significance (1 of 4 stars; one submission).

Conditions:
Developmental and epileptic encephalopathy 94 (DEE94). Also called: Epileptic encephalopathy, childhood-onset; CHD2-Related Neurodevelopmental Disorders. Identifiers: Orphanet 1942, Orphanet 2382, MedGen C3809278, MONDO:0014150, OMIM 615369.

Allele frequency attached by ClinVar (database versions not stated): gnomAD exomes below 0.00001; TOPMed below 0.00001; gnomAD 0.00001.
gnomAD v4.1: 2 of 1,614,032 alleles (0.00012%); highest among the groups gnomAD compares: African/African-American, 0.0027%; no homozygotes.

Submission:

Labcorp Genetics (formerly Invitae), Labcorp
Classification: Uncertain significance for Developmental and epileptic encephalopathy 94. Last evaluated: 2022-10-17. Review status: criteria provided, single submitter. Criteria: Invitae Variant Classification Sherloc (09022015). Collection method: clinical testing. Allele origin: germline.
Comment: This variant has not been reported in the literature in individuals affected with CHD2-related conditions. ClinVar contains an entry for this variant (Variation ID: 1354596). Advanced modeling of protein sequence and biophysical properties (such as structural, functional, and spatial information, amino acid conservation, physicochemical variation, residue mobility, and thermodynamic stability) performed at Invitae indicates that this missense variant is not expected to disrupt CHD2 protein function. In summary, the available evidence is currently insufficient to determine the role of this variant in disease. Therefore, it has been classified as a Variant of Uncertain Significance. This variant is present in population databases (no rsID available, gnomAD 0.007%). This sequence change replaces aspartic acid, which is acidic and polar, with asparagine, which is neutral and polar, at codon 1622 of the CHD2 protein (p.Asp1622Asn).

NM_001271.4(CHD2):c.4864G>A (p.Asp1622Asn)

Gene: CHD2 (chromodomain helicase DNA binding protein 2; plus strand). Cytogenetic location: 15q26.1.
Variant type: single nucleotide variant.
Coding change: c.4864G>A on transcript NM_001271.4 (MANE Select); coding-DNA position 4864, G replaced by A.
Protein change: p.Asp1622Asn; replaces aspartic acid 1622 with asparagine.
Molecular consequence: missense variant.
Genome position (GRCh38, 1-based): chr15:93,014,867, G>A. VCF-style: chr15-93014867-G-A. GRCh37 (hg19) VCF-style: chr15-93558097-G-A.
Other names: short protein forms D1622N.
Identifiers: ClinVar variation 1354596 (VCV001354596.8), dbSNP rs1044619239, ClinGen allele CA274886744.